The following is an entry in ClinVar:

ClinVar aggregate classification (germline): Uncertain significance (1 of 4 stars; one submission).

Submission:

Labcorp Genetics (formerly Invitae), Labcorp
Classification: Uncertain significance. Last evaluated: 2019-09-23. Review status: criteria provided, single submitter. Criteria: Invitae Variant Classification Sherloc (09022015). Collection method: clinical testing. Allele origin: germline.
Comment: In summary, the available evidence is currently insufficient to determine the role of this variant in disease. Therefore, it has been classified as a Variant of Uncertain Significance. Algorithms developed to predict the effect of sequence changes on RNA splicing suggest that this variant may create or strengthen a splice site, but this prediction has not been confirmed by published transcriptional studies. Algorithms developed to predict the effect of missense changes on protein structure and function (SIFT, PolyPhen-2, Align-GVGD) all suggest that this variant is likely to be disruptive, but these predictions have not been confirmed by published functional studies and their clinical significance is uncertain. This variant has not been reported in the literature in individuals with POLE-related conditions. This variant is not present in population databases (ExAC no frequency). This sequence change replaces arginine with lysine at codon 764 of the POLE protein (p.Arg764Lys). The arginine residue is highly conserved and there is a small physicochemical difference between arginine and lysine.

NM_006231.4(POLE):c.2291G>A (p.Arg764Lys)

Gene: POLE (DNA polymerase epsilon, catalytic subunit; minus strand). Cytogenetic location: 12q24.33.
Variant type: single nucleotide variant.
Coding change: c.2291G>A on transcript NM_006231.4 (MANE Select); coding-DNA position 2291, G replaced by A.
Protein change: p.Arg764Lys; replaces arginine 764 with lysine.
Molecular consequence: missense variant.
Genome position (GRCh38, 1-based): chr12:132,667,531, C>T on the plus strand (G>A on the coding strand, the complement: POLE is on the minus strand). VCF-style: chr12-132667531-C-T. GRCh37 (hg19) VCF-style: chr12-133244117-C-T.
Other names: short protein forms R764K.
Identifiers: ClinVar variation 940527 (VCV000940527.9), dbSNP rs2042823748, ClinGen allele CA387352130.